The following is an entry in ClinVar:

NM_018368.4(LMBRD1):c.741_742del (p.Ile248fs)

Gene: LMBRD1 (LMBR1 domain containing 1; minus strand). Cytogenetic location: 6q13.
Variant type: Microsatellite.
Coding change: c.741_742del on transcript NM_018368.4 (MANE Select); coding-DNA positions 741 to 742, 2 bases deleted (CA; older notation c.741_742delCA).
Protein change: p.Ile248fs; shifts the reading frame from isoleucine 248.
Molecular consequence: frameshift variant.
Genome position (GRCh38, 1-based): chr6:69,718,976-69,718,977, TG deleted on the plus strand (CA on the coding strand, the reverse complement: LMBRD1 is on the minus strand); deleting any 2 consecutive bases within chr6:69,718,976-69,718,980 gives the same sequence; the c. name uses the placement nearest the transcript's 3' end. VCF-style (leftmost placement, unchanged base first): chr6-69718975-ATG-A. GRCh37 (hg19) VCF-style: chr6-70428867-ATG-A.
Other names: c.522_523del, p.Ile175fs (NM_001363722.2, NM_001367271.1, NM_001367272.1); short protein forms I175fs, I248fs.
Identifiers: ClinVar variation 2706238 (VCV002706238.3), dbSNP rs1766552940, ClinGen allele CA1636438007.

ClinVar aggregate classification (germline): Pathogenic (1 of 4 stars; one submission).

Conditions:
Methylmalonic aciduria and homocystinuria type cblF. Also called: COBALAMIN F DISEASE; COBALAMIN, DEFECT IN LYSOSOMAL RELEASE OF; METHYLMALONIC ACIDEMIA AND HOMOCYSTINURIA, cblF TYPE; METHYLMALONIC ACIDURIA DUE TO VITAMIN B12-RELEASE DEFECT; VITAMIN B12 LYSOSOMAL RELEASE DEFECT; VITAMIN B12 STORAGE DISEASE. Identifiers: Orphanet 79284, MedGen C1848578, MONDO:0010183, OMIM 277380.

Submission:

Labcorp Genetics (formerly Invitae), Labcorp
Classification: Pathogenic for Methylmalonic aciduria and homocystinuria type cblF. Last evaluated: 2023-12-28. Review status: criteria provided, single submitter. Criteria: Invitae Variant Classification Sherloc (09022015). Collection method: clinical testing. Allele origin: germline.
Comment: This sequence change creates a premature translational stop signal (p.Ile248Serfs*4) in the LMBRD1 gene. It is expected to result in an absent or disrupted protein product. Loss-of-function variants in LMBRD1 are known to be pathogenic (PMID: 19136951, 21303734). This variant is not present in population databases (gnomAD no frequency). This variant has not been reported in the literature in individuals affected with LMBRD1-related conditions. For these reasons, this variant has been classified as Pathogenic.

Literature cited by the submitters: PubMed 19136951; PubMed 21303734.